The following is an entry in ClinVar:

NM_001370259.2(MEN1):c.1601C>T (p.Thr534Met)

Gene: MEN1 (menin 1; minus strand). Cytogenetic location: 11q13.1.
Variant type: single nucleotide variant.
Coding change: c.1601C>T on transcript NM_001370259.2 (MANE Select); coding-DNA position 1601, C replaced by T.
Protein change: p.Thr534Met; replaces threonine 534 with methionine.
Molecular consequence: missense variant.
Genome position (GRCh38, 1-based): chr11:64,804,566, G>A on the plus strand (C>T on the coding strand, the complement: MEN1 is on the minus strand). VCF-style: chr11-64804566-G-A. GRCh37 (hg19) VCF-style: chr11-64572038-G-A.
Other names: c.1601C>T (NM_130799.2); c.1616C>T, p.Thr539Met (NM_000244.4, NM_130800.3, NM_130801.3 and 3 more transcripts); c.1727C>T, p.Thr576Met (NM_001370251.2); c.1601C>T, p.Thr534Met (NM_001370260.2, NM_001370261.2, NM_130799.3); c.1496C>T, p.Thr499Met (NM_001370262.2, NM_001370263.2); short protein forms T499M, T534M, T539M, T576M.
Identifiers: ClinVar variation 1365107 (VCV001365107.9), dbSNP rs1192690654, ClinGen allele CA381178184.

ClinVar aggregate classification (germline): Uncertain significance. Review status: criteria provided, multiple submitters, no conflicts (2 of 4 stars). 2 submissions from 2 submitters: Uncertain significance (2). Last evaluated 2025-05-01.

Conditions:
Hereditary cancer-predisposing syndrome. Also called: Hereditary neoplastic syndrome; Hereditary Cancer Syndrome; Neoplastic Syndromes, Hereditary; Tumor predisposition. Identifiers: Orphanet 140162, MedGen C0027672, MeSH D009386, MONDO:0015356.
Multiple endocrine neoplasia, type 1 (MEN1). Also called: MEA I; MEN I; WERMER SYNDROME; Endocrine adenomatosis multiple; MEN 1. Identifiers: Orphanet 652, MedGen C0025267, MeSH D018761, MONDO:0007540, OMIM 131100.

Allele frequency attached by ClinVar (database versions not stated): gnomAD exomes below 0.00001.

Submissions (2):

Ambry Genetics
Classification: Uncertain significance for Hereditary cancer-predisposing syndrome. Last evaluated: 2025-05-01. Review status: criteria provided, single submitter. Criteria: Ambry Variant Classification Scheme 2023. Collection method: clinical testing. Allele origin: germline.
Comment: The p.T534M variant (also known as c.1601C>T), located in coding exon 9 of the MEN1 gene, results from a C to T substitution at nucleotide position 1601. The threonine at codon 534 is replaced by methionine, an amino acid with similar properties. This amino acid position is poorly conserved in available vertebrate species. In addition, this alteration is predicted to be tolerated by in silico analysis. Based on the available evidence, the clinical significance of this variant remains unclear.

Labcorp Genetics (formerly Invitae), Labcorp
Classification: Uncertain significance for Multiple endocrine neoplasia, type 1. Last evaluated: 2024-10-24. Review status: criteria provided, single submitter. Criteria: Invitae Variant Classification Sherloc (09022015). Collection method: clinical testing. Allele origin: germline.
Comment: This sequence change replaces threonine, which is neutral and polar, with methionine, which is neutral and non-polar, at codon 534 of the MEN1 protein (p.Thr534Met). The frequency data for this variant in the population databases is considered unreliable, as metrics indicate poor data quality at this position in the gnomAD database. This variant has not been reported in the literature in individuals affected with MEN1-related conditions. ClinVar contains an entry for this variant (Variation ID: 1365107). Invitae Evidence Modeling of protein sequence and biophysical properties (such as structural, functional, and spatial information, amino acid conservation, physicochemical variation, residue mobility, and thermodynamic stability) indicates that this missense variant is not expected to disrupt MEN1 protein function with a negative predictive value of 80%. In summary, the available evidence is currently insufficient to determine the role of this variant in disease. Therefore, it has been classified as a Variant of Uncertain Significance.